The following is an entry in ClinVar:

ClinVar aggregate classification (germline): Uncertain significance (1 of 4 stars; one submission).

Submission:

GeneDx
Classification: Uncertain significance. Last evaluated: 2023-12-16. Review status: criteria provided, single submitter. Criteria: GeneDx Variant Classification Process June 2021. Collection method: clinical testing. Allele origin: germline. Affected: yes.
Comment: Not observed at significant frequency in large population cohorts (gnomAD); In silico analysis supports that this missense variant does not alter protein structure/function; Has not been previously published as pathogenic or benign to our knowledge

NM_001291303.3(FAT4):c.11518G>A (p.Val3840Met)

Gene: FAT4 (FAT atypical cadherin 4; plus strand). Cytogenetic location: 4q28.1.
Variant type: single nucleotide variant.
Coding change: c.11518G>A on transcript NM_001291303.3 (MANE Select); coding-DNA position 11518, G replaced by A.
Protein change: p.Val3840Met; replaces valine 3840 with methionine.
Molecular consequence: missense variant.
Genome position (GRCh38, 1-based): chr4:125,452,528, G>A. VCF-style: chr4-125452528-G-A. GRCh37 (hg19) VCF-style: chr4-126373683-G-A.
Other names: c.11518G>A, p.Val3840Met (NM_001291285.3); c.11512G>A, p.Val3838Met (NM_024582.6); short protein forms V3838M, V3840M.
Identifiers: ClinVar variation 3365570 (VCV003365570.1).